The following is an entry in ClinVar:

NM_052844.4(DYNC2I2):c.1219C>G (p.Leu407Val)

Gene: DYNC2I2 (dynein 2 intermediate chain 2; minus strand). Cytogenetic location: 9q34.11.
Variant type: single nucleotide variant.
Coding change: c.1219C>G on transcript NM_052844.4 (MANE Select); coding-DNA position 1219, C replaced by G.
Protein change: p.Leu407Val; replaces leucine 407 with valine.
Molecular consequence: missense variant.
Genome position (GRCh38, 1-based): chr9:128,634,379, G>C on the plus strand (C>G on the coding strand, the complement: DYNC2I2 is on the minus strand). VCF-style: chr9-128634379-G-C. GRCh37 (hg19) VCF-style: chr9-131396658-G-C.
Other names: short protein forms L407V.
Identifiers: ClinVar variation 1681191 (VCV001681191.6), dbSNP rs1269390021, ClinGen allele CA375111366.

ClinVar aggregate classification (germline): Uncertain significance (1 of 4 stars; one submission).

Conditions:
Short-rib thoracic dysplasia 11 with or without polydactyly (SRTD11). Also called: SHORT-RIB THORACIC DYSPLASIA 11 WITHOUT POLYDACTYLY. Identifiers: Orphanet 474, Orphanet 93271, MedGen C3810200, MONDO:0014287, OMIM 615633.

Allele frequency attached by ClinVar (database versions not stated): gnomAD exomes below 0.00001; TOPMed below 0.00001; gnomAD 0.00001.
gnomAD v4.1: 4 of 1,586,462 alleles (0.00025%); highest among the groups gnomAD compares: Non-Finnish European, 0.00026%; no homozygotes.

Submission:

Labcorp Genetics (formerly Invitae), Labcorp
Classification: Uncertain significance for Short-rib thoracic dysplasia 11 with or without polydactyly. Last evaluated: 2024-10-29. Review status: criteria provided, single submitter. Criteria: Invitae Variant Classification Sherloc (09022015). Collection method: clinical testing. Allele origin: germline.
Comment: This sequence change replaces leucine, which is neutral and non-polar, with valine, which is neutral and non-polar, at codon 407 of the WDR34 protein (p.Leu407Val). This variant is present in population databases (no rsID available, gnomAD 0.001%). This variant has not been reported in the literature in individuals affected with WDR34-related conditions. ClinVar contains an entry for this variant (Variation ID: 1681191). An algorithm developed to predict the effect of missense changes on protein structure and function (PolyPhen-2) suggests that this variant is likely to be disruptive. In summary, the available evidence is currently insufficient to determine the role of this variant in disease. Therefore, it has been classified as a Variant of Uncertain Significance.